The following is an entry in ClinVar:

NM_002894.3(RBBP8):c.2287+56_2287+60del

Gene: RBBP8 (RB binding protein 8, endonuclease; plus strand). Cytogenetic location: 18q11.2.
Variant type: Microsatellite.
Coding change: c.2287+56_2287+60del on transcript NM_002894.3 (MANE Select); bases 56 to 60 of the intron after coding-DNA position 2287, 5 bases deleted (AGTTA; older notation c.2287+56_2287+60delAGTTA).
Molecular consequence: intron variant.
Genome position (GRCh38, 1-based): chr18:23,001,785-23,001,789, AGTTA deleted; deleting any 5 consecutive bases within chr18:23,001,778-23,001,789 gives the same sequence; the c. name uses the placement nearest the transcript's 3' end. VCF-style (leftmost placement, unchanged base first): chr18-23001777-GTAAGT-G. GRCh37 (hg19) VCF-style: chr18-20581740-GTAAGT-G.
Other names: c.2287+56_2287+60del (NM_203292.2, NM_203291.2); c.2287+56_2287+60del5 (NM_002894.2).
Identifiers: ClinVar variation 1638187 (VCV001638187.11), dbSNP rs758195724, ClinGen allele CA8910305.

ClinVar aggregate classification (germline): Likely benign. Review status: criteria provided, multiple submitters, no conflicts (2 of 4 stars). 3 submissions from 3 submitters: Likely benign (2). 1 of the submissions does not count toward it. Last evaluated 2025-12-01.

Conditions:
RBBP8-related disorder. Also called: RBBP8-Related Disorders; RBBP8-related condition. Identifiers: MedGen CN239300.

Submissions (3):

Labcorp Genetics (formerly Invitae), Labcorp
Classification: Likely benign. Last evaluated: 2025-12-01. Review status: criteria provided, single submitter. Criteria: Invitae Variant Classification Sherloc (09022015). Collection method: clinical testing. Allele origin: germline.

Blueprint Genetics
Classification: Likely benign. Last evaluated: 2024-10-17. Review status: criteria provided, single submitter. Criteria: ACMG Guidelines, 2015. Collection method: clinical testing. Allele origin: germline.

PreventionGenetics, part of Exact Sciences
Classification: Likely benign for RBBP8-related condition. Last evaluated: 2023-10-28. Review status: no assertion criteria provided. Collection method: clinical testing. Allele origin: germline. Not counted in ClinVar's aggregate classification.
Comment: This variant is classified as likely benign based on ACMG/AMP sequence variant interpretation guidelines (Richards et al. 2015 PMID: 25741868, with internal and published modifications).